The following is an entry in ClinVar:

ClinVar aggregate classification (germline): Uncertain significance (1 of 4 stars; one submission).

Allele frequency attached by ClinVar (database versions not stated): gnomAD exomes below 0.00001.

Submission:

Labcorp Genetics (formerly Invitae), Labcorp
Classification: Uncertain significance. Last evaluated: 2025-12-01. Review status: criteria provided, single submitter. Criteria: Invitae Variant Classification Sherloc (09022015). Collection method: clinical testing. Allele origin: germline.
Comment: This sequence change replaces proline, which is neutral and non-polar, with serine, which is neutral and polar, at codon 1851 of the FAT4 protein (p.Pro1851Ser). This variant is not present in population databases (gnomAD no frequency). This variant has not been reported in the literature in individuals affected with FAT4-related conditions. ClinVar contains an entry for this variant (Variation ID: 2002819). Invitae Evidence Modeling of protein sequence and biophysical properties (such as structural, functional, and spatial information, amino acid conservation, physicochemical variation, residue mobility, and thermodynamic stability) indicates that this missense variant is not expected to disrupt FAT4 protein function with a negative predictive value of 95%. In summary, the available evidence is currently insufficient to determine the role of this variant in disease. Therefore, it has been classified as a Variant of Uncertain Significance.

NM_001291303.3(FAT4):c.5551C>T (p.Pro1851Ser)

Gene: FAT4 (FAT atypical cadherin 4; plus strand). Cytogenetic location: 4q28.1.
Variant type: single nucleotide variant.
Coding change: c.5551C>T on transcript NM_001291303.3 (MANE Select); coding-DNA position 5551, C replaced by T.
Protein change: p.Pro1851Ser; replaces proline 1851 with serine.
Molecular consequence: missense variant.
Genome position (GRCh38, 1-based): chr4:125,407,123, C>T. VCF-style: chr4-125407123-C-T. GRCh37 (hg19) VCF-style: chr4-126328278-C-T.
Other names: c.5551C>T, p.Pro1851Ser (NM_001291285.3, NM_024582.6); short protein forms P1851S.
Identifiers: ClinVar variation 2002819 (VCV002002819.4), dbSNP rs2530749625, ClinGen allele CA358122913.